The following is an entry in ClinVar:

NM_001201543.2(FAM161A):c.1003C>T (p.Arg335Ter)

Gene: FAM161A (FAM161 centrosomal protein A; minus strand). Cytogenetic location: 2p15.
Variant type: single nucleotide variant.
Coding change: c.1003C>T on transcript NM_001201543.2 (MANE Select); coding-DNA position 1003, C replaced by T.
Protein change: p.Arg335Ter; replaces arginine 335 with a stop codon.
Molecular consequence: nonsense. On other transcripts: non-coding transcript variant (1).
Genome position (GRCh38, 1-based): chr2:61,840,001, G>A on the plus strand (C>T on the coding strand, the complement: FAM161A is on the minus strand). VCF-style: chr2-61840001-G-A. GRCh37 (hg19) VCF-style: chr2-62067136-G-A.
Other names: c.1003C>T, p.Arg335Ter (NM_032180.3); short protein forms R335*.
Identifiers: ClinVar variation 497934 (VCV000497934.22), dbSNP rs777678022, ClinGen allele CA1679235.
Genomic context (GRCh38, chr2:61,840,001, plus strand): 5'-ATCGATTTGTTTTCTTTTTATACTTAAGAAAGTCTCTCAGCTGCTTTTCCCGGGCTGCTC[G>A]CTTCTGTTCCTCCCTTGCTATAAATTTAAATGGCTTTTGTGAGGCCAAAAGAGCTTCTTT-3'

ClinVar aggregate classification (germline): Pathogenic. Review status: criteria provided, multiple submitters, no conflicts (2 of 4 stars). 9 submissions from 9 submitters: Pathogenic (7). 2 of the submissions do not count toward it. Last evaluated 2025-12-22.

Conditions:
Retinitis pigmentosa 28 (RP28). Identifiers: Orphanet 791, MedGen C1419614, MONDO:0011630, OMIM 606068.
Autosomal recessive retinitis pigmentosa. Identifiers: MedGen C0339526.
Retinitis pigmentosa (RP). Identifiers: Orphanet 791, MedGen C0035334, MeSH D012174, MONDO:0019200, OMIM 268000. Inheritance: Autosomal dominant, autosomal recessive and X linked inheritance.

Allele frequency attached by ClinVar (database versions not stated): gnomAD exomes below 0.00001 and 0.00001; ExAC 0.00001; TOPMed 0.00001; gnomAD 0.00003 and 0.00004.
gnomAD v4.1: 7 of 1,613,970 alleles (0.00043%); highest among the groups gnomAD compares: Admixed American, 0.0067%; no homozygotes.

Submissions (10):

Myriad Genetics, Inc.
Classification: Pathogenic for Retinitis pigmentosa 28. Last evaluated: 2025-12-22. Review status: criteria provided, single submitter. Criteria: Myriad Autosomal Dominant, Autosomal Recessive and X-Linked Classification Criteria (2023). Collection method: clinical testing. Allele origin: unknown.
Comment: NM_001201543.1(FAM161A):c.1003C>T(R335*) is a nonsense variant classified as in the context of retinitis pigmentosa, FAM161A-related. R335* has not been observed in cases with relevant disease. Relevant functional assessments of this variant are not available in the literature. R335* has been observed in referenced population frequency databases. Please note: this variant was assessed in the context of healthy population screening.

Natera, Inc.
Classification: Pathogenic for Retinitis pigmentosa type 28. Last evaluated: 2024-08-22. Review status: criteria provided, single submitter. Criteria: Natera Variant Classification Schema (03/2026). Collection method: clinical testing. Allele origin: germline.
Comment: The c.1003C>T variant in FAM161A is a nonsense variant predicted to introduce a stop codon at amino acid 335. This variant is expected to result in nonsense mediated decay, truncation, or a dysfunctional protein product. This variant is rare in the general population with a frequency below the threshold expected for the associated phenotype(s). This variant has been observed in one or more individuals affected with the associated recessive disease, as either homozygous or compound heterozygous with a second variant (PMID: 24520187, 28005406). Additionally, this variant has been observed to segregate in affected family members (PMID: 24520187, 28005406). Given the available evidence, this variant is classified as Pathogenic.

Fulgent Genetics
Classification: Pathogenic for Retinitis pigmentosa 28. Last evaluated: 2024-03-25. Review status: criteria provided, single submitter. Criteria: ACMG Guidelines, 2015. Collection method: clinical testing. Allele origin: germline.

Baylor Genetics
Classification: Pathogenic for Retinitis pigmentosa 28. Last evaluated: 2023-10-16. Review status: criteria provided, single submitter. Criteria: ACMG Guidelines, 2015. Collection method: clinical testing. Allele origin: unknown.

Labcorp Genetics (formerly Invitae), Labcorp
Classification: Pathogenic. Last evaluated: 2023-07-31. Review status: criteria provided, single submitter. Criteria: Invitae Variant Classification Sherloc (09022015). Collection method: clinical testing. Allele origin: germline.
Comment: ClinVar contains an entry for this variant (Variation ID: 497934). This premature translational stop signal has been observed in individual(s) with clinical features of retinitis pigmentosa (PMID: 24520187). This variant is present in population databases (rs777678022, gnomAD 0.005%). This sequence change creates a premature translational stop signal (p.Arg335*) in the FAM161A gene. It is expected to result in an absent or disrupted protein product. Loss-of-function variants in FAM161A are known to be pathogenic (PMID: 20705278, 20705279, 24651477). For these reasons, this variant has been classified as Pathogenic.

Revvity Omics, Revvity
Classification: Pathogenic for Retinitis pigmentosa 28. Last evaluated: 2020-06-02. Review status: criteria provided, single submitter. Criteria: ACMG Guidelines, 2015. Collection method: clinical testing. Allele origin: germline.

Eurofins Ntd Llc (ga)
Classification: Pathogenic. Last evaluated: 2016-11-02. Review status: criteria provided, single submitter. Criteria: EGL Classification Definitions 2015. Collection method: clinical testing. Allele origin: germline. Observed: 1 variant allele, 1 heterozygote.

Molecular Genetics Laboratory, Institute for Ophthalmic Research
Classification: Pathogenic for Retinitis pigmentosa. Last evaluated: 2017-12-13. Review status: no assertion criteria provided. Collection method: research. Allele origin: inherited. Affected: yes. Not counted in ClinVar's aggregate classification.

Faculty of Health Sciences, Beirut Arab University
Classification: Pathogenic for Autosomal recessive Retinitis Pigmentosa. Last evaluated: 2014-02-07. Review status: no assertion criteria provided. Collection method: literature only. Allele origin: germline. Affected: yes. Observed: 2 variant alleles. Not counted in ClinVar's aggregate classification.

Dr. Peter K. Rogan Lab, Western University
No classification provided (evidence only). Condition: Thyroid cancer, nonmedullary, 1. Review status: no classification provided. Collection method: in vitro. Allele origin: not applicable. Functional consequence: retained intron. Not counted in ClinVar's aggregate classification.

Literature cited by the submitters: PubMed 24520187 (cited by 3 submitters); PubMed 28005406 (cited by Natera, Inc.); PubMed 20705278 (cited by Labcorp Genetics (formerly Invitae), Labcorp); PubMed 20705279 (cited by Labcorp Genetics (formerly Invitae), Labcorp); PubMed 24651477 (cited by Labcorp Genetics (formerly Invitae), Labcorp).